The following is an entry in ClinVar:

ClinVar aggregate classification (germline): Uncertain significance. Review status: criteria provided, multiple submitters, no conflicts (2 of 4 stars). 4 submissions from 4 submitters: Uncertain significance (4). Last evaluated 2024-07-26.

Conditions:
PRPH2-related disorder. Also called: PRPH2-related condition; PRPH2-related disorders. Identifiers: MedGen CN239395.
Inborn genetic diseases. Identifiers: MedGen C0950123, MeSH D030342.

Allele frequency attached by ClinVar (database versions not stated): gnomAD 0.00001; TOPMed 0.00001; ExAC 0.00002; gnomAD exomes 0.00002.
gnomAD v4.1: 32 of 1,614,074 alleles (0.002%); highest among the groups gnomAD compares: Non-Finnish European, 0.0024%; no homozygotes.

Submissions (4):

Ambry Genetics
Classification: Uncertain significance for Inborn genetic diseases. Last evaluated: 2024-07-26. Review status: criteria provided, single submitter. Criteria: Ambry Variant Classification Scheme 2023. Collection method: clinical testing. Allele origin: germline.

Blueprint Genetics
Classification: Uncertain significance. Last evaluated: 2024-02-16. Review status: criteria provided, single submitter. Criteria: ACMG Guidelines, 2015. Collection method: clinical testing. Allele origin: germline.

Labcorp Genetics (formerly Invitae), Labcorp
Classification: Uncertain significance for PRPH2-related disorder. Last evaluated: 2023-10-29. Review status: criteria provided, single submitter. Criteria: Invitae Variant Classification Sherloc (09022015). Collection method: clinical testing. Allele origin: germline.
Comment: This sequence change replaces aspartic acid, which is acidic and polar, with asparagine, which is neutral and polar, at codon 84 of the PRPH2 protein (p.Asp84Asn). This variant is present in population databases (rs368257452, gnomAD 0.003%). This variant has not been reported in the literature in individuals affected with PRPH2-related conditions. ClinVar contains an entry for this variant (Variation ID: 1320737). Advanced modeling of protein sequence and biophysical properties (such as structural, functional, and spatial information, amino acid conservation, physicochemical variation, residue mobility, and thermodynamic stability) performed at Invitae indicates that this missense variant is expected to disrupt PRPH2 protein function with a positive predictive value of 95%. In summary, the available evidence is currently insufficient to determine the role of this variant in disease. Therefore, it has been classified as a Variant of Uncertain Significance.

GeneDx
Classification: Uncertain significance. Last evaluated: 2019-08-07. Review status: criteria provided, single submitter. Criteria: GeneDx Variant Classification Process June 2021. Collection method: clinical testing. Allele origin: germline. Affected: yes.
Comment: Not observed at a significant frequency in large population cohorts (Lek et al., 2016); In silico analysis, which includes protein predictors and evolutionary conservation, supports a deleterious effect; Has not been previously published as pathogenic or benign to our knowledge

NM_000322.5(PRPH2):c.250G>A (p.Asp84Asn)

Gene: PRPH2 (peripherin 2; minus strand). Cytogenetic location: 6p21.1.
Variant type: single nucleotide variant.
Coding change: c.250G>A on transcript NM_000322.5 (MANE Select); coding-DNA position 250, G replaced by A.
Protein change: p.Asp84Asn; replaces aspartic acid 84 with asparagine.
Molecular consequence: missense variant.
Genome position (GRCh38, 1-based): chr6:42,722,085, C>T on the plus strand (G>A on the coding strand, the complement: PRPH2 is on the minus strand). VCF-style: chr6-42722085-C-T. GRCh37 (hg19) VCF-style: chr6-42689823-C-T.
Other names: short protein forms D84N.
Identifiers: ClinVar variation 1320737 (VCV001320737.7), dbSNP rs368257452, ClinGen allele CA3808646.
Genomic context (GRCh38, chr6:42,722,085, plus strand): 5'-TAGCCAGGTACGGCTTCAGCCAGGGCTTCCATCTGGCATACTTGGCTGGGTCCAGGGCGT[C>T]GTAGCAGATCTTCCCAGCCAGCGAGTTGAAGACACAGGATAGCACCCCCATCCCTATCAA-3'
Protein context (NP_000313.2, residues 74-94): FNSLAGKICY[Asp84Asn]ALDPAKYARW